The following is an entry in ClinVar:

NM_016507.4(CDK12):c.575C>T (p.Ser192Phe)

Genes: CDK12 (cyclin dependent kinase 12; plus strand), LOC126862553 (CDK7 strongly-dependent group 2 enhancer GRCh37_chr17:37618166-37619365; plus strand). Cytogenetic location: 17q12.
Variant type: single nucleotide variant.
Coding change: c.575C>T on transcript NM_016507.4 (MANE Select); coding-DNA position 575, C replaced by T.
Protein change: p.Ser192Phe; replaces serine 192 with phenylalanine.
Molecular consequence: missense variant.
Genome position (GRCh38, 1-based): chr17:39,462,646, C>T. VCF-style: chr17-39462646-C-T. GRCh37 (hg19) VCF-style: chr17-37618899-C-T.
Other names: c.575C>T, p.Ser192Phe (NM_015083.4); short protein forms S192F.
Identifiers: ClinVar variation 4651420 (VCV004651420.1).

ClinVar aggregate classification (germline): Uncertain significance (1 of 4 stars; one submission).

gnomAD v4.1: 2 of 1,614,090 alleles (0.00012%); highest among the groups gnomAD compares: Non-Finnish European, 0.00017%; no homozygotes.

Submission:

Ambry Genetics
Classification: Uncertain significance. Last evaluated: 2025-10-30. Review status: criteria provided, single submitter. Criteria: Ambry Variant Classification Scheme 2023. Collection method: clinical testing. Allele origin: germline.
Comment: The p.S192F variant (also known as c.575C>T), located in coding exon 1 of the CDK12 gene, results from a C to T substitution at nucleotide position 575. The serine at codon 192 is replaced by phenylalanine, an amino acid with highly dissimilar properties. This amino acid position is conserved. In addition, this alteration is predicted to be tolerated by in silico analysis. Based on the available evidence, the clinical significance of this variant remains unclear.